The following is an entry in ClinVar:

ClinVar aggregate classification (germline): Pathogenic (1 of 4 stars; one submission).

Conditions:
Jeune thoracic dystrophy. Also called: Short-rib thoracic dysplasia; Jeune syndrome; Infantile thoracic dystrophy; Thoracic pelvic phalangeal dystrophy; Jeune's syndrome; Chondroectodermal dysplasia-like syndrome. Identifiers: Orphanet 474, MedGen C0265275, MONDO:0018770.

Submission:

Labcorp Genetics (formerly Invitae), Labcorp
Classification: Pathogenic for Jeune thoracic dystrophy. Last evaluated: 2025-09-07. Review status: criteria provided, single submitter. Criteria: Invitae Variant Classification Sherloc (09022015). Collection method: clinical testing. Allele origin: germline.
Comment: This sequence change creates a premature translational stop signal (p.Lys1087Asnfs*2) in the DYNC2H1 gene. It is expected to result in an absent or disrupted protein product. Loss-of-function variants in DYNC2H1 are known to be pathogenic (PMID: 23339108, 32753734, 33755199). This variant is not present in population databases (gnomAD no frequency). This variant has not been reported in the literature in individuals affected with DYNC2H1-related conditions. Algorithms developed to predict the effect of sequence changes on RNA splicing suggest that this variant may disrupt the consensus splice site. For these reasons, this variant has been classified as Pathogenic.

Literature cited by the submitters: PubMed 23339108; PubMed 32753734; PubMed 33755199.

NM_001377.3(DYNC2H1):c.3255_3256del (p.Lys1087fs)

Gene: DYNC2H1 (dynein cytoplasmic 2 heavy chain 1; plus strand). Cytogenetic location: 11q22.3.
Variant type: Microsatellite.
Coding change: c.3255_3256del on transcript NM_001377.3 (MANE Select); coding-DNA positions 3255 to 3256, 2 bases deleted (GA; older notation c.3255_3256delGA).
Protein change: p.Lys1087fs; shifts the reading frame from lysine 1087.
Molecular consequence: frameshift variant.
Genome position (GRCh38, 1-based): chr11:103,153,461-103,153,462, GA deleted; deleting any 2 consecutive bases within chr11:103,153,458-103,153,462 gives the same sequence; the c. name uses the placement nearest the transcript's 3' end. VCF-style (leftmost placement, unchanged base first): chr11-103153457-AAG-A. GRCh37 (hg19) VCF-style: chr11-103024186-AAG-A.
Other names: c.3255_3256del, p.Lys1087fs (NM_001080463.2); short protein forms K1087fs.
Identifiers: ClinVar variation 4692861 (VCV004692861.1).